The following continues an entry in ClinVar:

NM_000350.3(ABCA4):c.1804C>T (p.Arg602Trp)

Gene: ABCA4. ClinVar aggregate classification (germline): Pathogenic. Pathogenic (1).

Submissions 25 to 28 of 28:

Juno Genomics, Hangzhou Juno Genomics, Inc
Classification: Pathogenic for Age related macular degeneration 2; Cone-rod dystrophy 3; Severe early-childhood-onset retinal dystrophy; Retinitis pigmentosa 19. Review status: criteria provided, single submitter. Criteria: ACMG Guidelines, 2015. Collection method: clinical testing. Allele origin: germline. Affected: yes. Not counted in ClinVar's aggregate classification.
Comment: Absent from controls (or at extremely low frequency if recessive) in Genome Aggregation Database, Exome Sequencing Project, 1000 Genomes Project, or Exome Aggregation Consortium.;For recessive disorders, detected in trans with a pathogenic variant.;Co-segregation with disease in multiple affected family members in a gene definitively known to cause the disease.;Multiple lines of computational evidence support a deleterious effect on the gene or gene product (conservation, evolutionary, splicing impact, etc).

NIHR Bioresource Rare Diseases, University of Cambridge
Classification: Likely pathogenic for Retinal dystrophy. Last evaluated: 2015-01-01. Review status: no assertion criteria provided. Collection method: research. Allele origin: unknown. Affected: yes. Observed: 1 variant allele. Not counted in ClinVar's aggregate classification.

Ophthalmo-Genetics Lab, Instituto de Oftalmologia Conde de Valenciana
Classification: Pathogenic for Stargardt disease 3. Review status: no assertion criteria provided. Collection method: research. Allele origin: germline. Inheritance: Autosomal recessive inheritance. Affected: yes. Not counted in ClinVar's aggregate classification.

Retina International
No classification provided. Review status: no classification provided. Collection method: not provided. Allele origin: not provided. Not counted in ClinVar's aggregate classification.

Literature cited by the submitters: PubMed 16103129 (cited by 9 submitters); PubMed 23755871 (cited by 7 submitters); PubMed 20696155 (cited by 3 submitters); PubMed 22449572 (cited by 3 submitters); PubMed 23982839 (cited by 4 submitters); PubMed 25472526 (cited by 3 submitters); PubMed 25910913 (cited by 3 submitters); PubMed 16103135 (cited by SingHealth Duke-NUS Institute of Precision Medicine); PubMed 36909829 (cited by Ophthalmic Genetics Group, Institute of Molecular and Clinical Ophthalmology Basel); PubMed 9973280 (cited by 7 submitters); PubMed 23695285 (cited by 5 submitters); PubMed 28181551 (cited by 5 submitters); PubMed 28118664 (cited by 3 submitters); PubMed 28041643 (cited by 4 submitters); PubMed 24444108 (cited by 5 submitters); PubMed 30093795 (cited by Pangenia Genomics, Pangenia Inc. and Institute of Human Genetics, Univ. Regensburg, Univ. Regensburg); PubMed 29186038 (cited by Pangenia Genomics, Pangenia Inc. and Institute of Human Genetics, Univ. Regensburg, Univ. Regensburg); PubMed 32619608 (cited by Pangenia Genomics, Pangenia Inc. and Institute of Human Genetics, Univ. Regensburg, Univ. Regensburg); PubMed 29114839 (cited by Pangenia Genomics, Pangenia Inc. and Institute of Human Genetics, Univ. Regensburg, Univ. Regensburg); PubMed 34906470 (cited by Broad Center for Mendelian Genomics, Broad Institute of MIT and Harvard); PubMed 28559085 (cited by Institute of Human Genetics, Univ. Regensburg, Univ. Regensburg); PubMed 28838317 (cited by Institute of Human Genetics, Univ. Regensburg, Univ. Regensburg); PubMed 29641573 (cited by Institute of Human Genetics, Univ. Regensburg, Univ. Regensburg); PubMed 28947085 (cited by Institute of Human Genetics, Univ. Regensburg, Univ. Regensburg); PubMed 31589614 (cited by Institute of Human Genetics, Univ. Regensburg, Univ. Regensburg); PubMed 31216405 (cited by Institute of Human Genetics, Univ. Regensburg, Univ. Regensburg); PubMed 32845050 (cited by Institute of Human Genetics, Univ. Regensburg, Univ. Regensburg); PubMed 31964843 (cited by Institute of Human Genetics, Univ. Regensburg, Univ. Regensburg); PubMed 31429209 (cited by Institute of Human Genetics, Univ. Regensburg, Univ. Regensburg); PubMed 32307445 (cited by Institute of Human Genetics, Univ. Regensburg, Univ. Regensburg); PubMed 33090715 (cited by Institute of Human Genetics, Univ. Regensburg, Univ. Regensburg); PubMed 32036094 (cited by Institute of Human Genetics, Univ. Regensburg, Univ. Regensburg); PubMed 33261146 (cited by Institute of Human Genetics, Univ. Regensburg, Univ. Regensburg and Ophthalmo-Genetics Lab, Instituto de Oftalmologia Conde de Valenciana); PubMed 32581362 (cited by Institute of Human Genetics, Univ. Regensburg, Univ. Regensburg); PubMed 33706644 (cited by Institute of Human Genetics, Univ. Regensburg, Univ. Regensburg); PubMed 33781268 (cited by Institute of Human Genetics, Univ. Regensburg, Univ. Regensburg); PubMed 34327195 (cited by Institute of Human Genetics, Univ. Regensburg, Univ. Regensburg); PubMed 33301772 (cited by Institute of Human Genetics, Univ. Regensburg, Univ. Regensburg); PubMed 36338671 (cited by Institute of Human Genetics, Univ. Regensburg, Univ. Regensburg); PubMed 35119454 (cited by Institute of Human Genetics, Univ. Regensburg, Univ. Regensburg); PubMed 36460718 (cited by Institute of Human Genetics, Univ. Regensburg, Univ. Regensburg); PubMed 35657619 (cited by Institute of Human Genetics, Univ. Regensburg, Univ. Regensburg).